The following is an entry in ClinVar:

NM_153704.6(TMEM67):c.1576A>G (p.Ile526Val)

Gene: TMEM67 (transmembrane protein 67; plus strand). Cytogenetic location: 8q22.1.
Variant type: single nucleotide variant.
Coding change: c.1576A>G on transcript NM_153704.6 (MANE Select); coding-DNA position 1576, A replaced by G.
Protein change: p.Ile526Val; replaces isoleucine 526 with valine.
Molecular consequence: missense variant. On other transcripts: non-coding transcript variant (1).
Genome position (GRCh38, 1-based): chr8:93,793,198, A>G. VCF-style: chr8-93793198-A-G. GRCh37 (hg19) VCF-style: chr8-94805426-A-G.
Other names: c.1333A>G, p.Ile445Val (NM_001142301.1); short protein forms I445V, I526V.
Identifiers: ClinVar variation 5000253 (VCV005000253.1).

ClinVar aggregate classification (germline): Uncertain significance (1 of 4 stars; one submission).

Conditions:
TMEM67-related disorder. Also called: TMEM67-related disorders; TMEM67-related condition. Identifiers: MedGen CN239423.

Submission:

PreventionGenetics, part of Exact Sciences
Classification: Uncertain significance for TMEM67-related condition. Last evaluated: 2025-05-27. Review status: criteria provided, single submitter. Criteria: ACMG Guidelines, 2015. Collection method: clinical testing. Allele origin: germline.
Comment: The TMEM67 c.1576A>G variant is predicted to result in the amino acid substitution p.Ile526Val. To our knowledge, this variant has not been reported in the literature or in a large population database (gnomAD), indicating this variant is rare. At this time, the clinical significance of this variant is uncertain due to the absence of conclusive functional and genetic evidence.